The following is an entry in ClinVar:

ClinVar aggregate classification (germline): Likely benign (1 of 4 stars; one submission).

gnomAD v4.1: 42 of 1,613,902 alleles (0.0026%); highest among the groups gnomAD compares: Middle Eastern, 0.033%; no homozygotes.

Submission:

CeGaT Center for Human Genetics Tuebingen
Classification: Likely benign. Last evaluated: 2024-11-01. Review status: criteria provided, single submitter. Criteria: CeGaT Center For Human Genetics Tuebingen Variant Classification Criteria Version 2. Collection method: clinical testing. Allele origin: germline. Affected: yes. Observed: 1 variant allele.
Comment: C1R: BP4, BP7

NM_001733.7(C1R):c.1989G>A (p.Pro663=)

Gene: C1R (complement C1r; minus strand). Cytogenetic location: 12p13.31.
Variant type: single nucleotide variant.
Coding change: c.1989G>A on transcript NM_001733.7 (MANE Select); coding-DNA position 1989, G replaced by A.
Protein change: p.Pro663=; no amino-acid change (proline 663 retained).
Molecular consequence: synonymous variant.
Genome position (GRCh38, 1-based): chr12:7,080,661, C>T on the plus strand (G>A on the coding strand, the complement: C1R is on the minus strand). VCF-style: chr12-7080661-C-T. GRCh37 (hg19) VCF-style: chr12-7187965-C-T.
Other names: c.2031G>A, p.Pro677= (NM_001354346.2).
Identifiers: ClinVar variation 3389109 (VCV003389109.14).